The following is an entry in ClinVar:

ClinVar aggregate classification (germline): Uncertain significance (1 of 4 stars; one submission).

Allele frequency attached by ClinVar (database versions not stated): ExAC 0.00003; gnomAD exomes 0.00003; gnomAD 0.00005 and 0.00006; TOPMed 0.00005.
gnomAD v4.1: 59 of 1,613,712 alleles (0.0037%); highest among the groups gnomAD compares: Non-Finnish European, 0.0045%; no homozygotes.

Submission:

Labcorp Genetics (formerly Invitae), Labcorp
Classification: Uncertain significance. Last evaluated: 2022-02-02. Review status: criteria provided, single submitter. Criteria: Invitae Variant Classification Sherloc (09022015). Collection method: clinical testing. Allele origin: germline.
Comment: This sequence change replaces valine, which is neutral and non-polar, with isoleucine, which is neutral and non-polar, at codon 1222 of the CARMIL2 protein (p.Val1222Ile). This variant is present in population databases (rs767991741, gnomAD 0.008%). This variant has not been reported in the literature in individuals affected with CARMIL2-related conditions. Algorithms developed to predict the effect of missense changes on protein structure and function (SIFT, PolyPhen-2, Align-GVGD) all suggest that this variant is likely to be tolerated. In summary, the available evidence is currently insufficient to determine the role of this variant in disease. Therefore, it has been classified as a Variant of Uncertain Significance.

NM_001013838.3(CARMIL2):c.3664G>A (p.Val1222Ile)

Gene: CARMIL2 (capping protein regulator and myosin 1 linker 2; plus strand). Cytogenetic location: 16q22.1.
Variant type: single nucleotide variant.
Coding change: c.3664G>A on transcript NM_001013838.3 (MANE Select); coding-DNA position 3664, G replaced by A.
Protein change: p.Val1222Ile; replaces valine 1222 with isoleucine.
Molecular consequence: missense variant.
Genome position (GRCh38, 1-based): chr16:67,654,859, G>A. VCF-style: chr16-67654859-G-A. GRCh37 (hg19) VCF-style: chr16-67688762-G-A.
Other names: c.3556G>A, p.Val1186Ile (NM_001317026.3); short protein forms V1186I, V1222I.
Identifiers: ClinVar variation 1391200 (VCV001391200.5), dbSNP rs767991741, ClinGen allele CA8114097.
Genomic context (GRCh38, chr16:67,654,859, plus strand): 5'-GAAACAGAACTGGCTCCATCCTTTGAACAGCGGGTACAAGTAATGCTGCAGAGGATAGGC[G>A]TCAGCCGAGGCAGCGGGGGTGCCGAAGGCAAGAGGAAGCAAGTGAGTTGAGGGGACCTGA-3'
Protein context (NP_001013860.1, residues 1212-1232): RVQVMLQRIG[Val1222Ile]SRGSGGAEGK